The following is an entry in ClinVar:

ClinVar aggregate classification (germline): Likely benign (1 of 4 stars; one submission).

Conditions:
COL1A1-related disorder. Also called: COL1A1-related condition; COL1A1- related disease.

Submission:

PreventionGenetics, part of Exact Sciences
Classification: Likely benign for COL1A1-related condition. Last evaluated: 2026-05-15. Review status: criteria provided, single submitter. Criteria: ACMG Guidelines, 2015. Collection method: clinical testing. Allele origin: germline.
Comment: This variant is classified as likely benign based on ACMG/AMP sequence variant interpretation guidelines (Richards et al. 2015 PMID: 25741868, with internal and published modifications).

NM_000088.4(COL1A1):c.2127+7del

Gene: COL1A1 (collagen type I alpha 1 chain; minus strand). Cytogenetic location: 17q21.33.
Variant type: Deletion.
Coding change: c.2127+7del on transcript NM_000088.4 (MANE Select); 7 bases into the intron after coding-DNA position 2127, one base deleted (G; older notation c.2127+7delG).
Molecular consequence: intron variant.
Genome position (GRCh38, 1-based): chr17:50,191,781, C deleted on the plus strand (G on the coding strand, the reverse complement: COL1A1 is on the minus strand); the first of 3 consecutive C bases (chr17:50,191,781-50,191,783); deleting any one gives the same sequence. VCF-style (leftmost placement, unchanged base first): chr17-50191780-GC-G. GRCh37 (hg19) VCF-style: chr17-48269141-GC-G.
Identifiers: ClinVar variation 4995452 (VCV004995452.1).
Genomic context (GRCh38, chr17:50,191,780, plus strand): 5'-CCTGCTGCAGGAGGGGTGAGACCTGGTCCCTGGGCCACTTGCCAGAGCCCCTTCCACGCT[GC>G]CCTCACCTTAGCACCATCGTTGCCGGGAGCACCGTTGGCCCCTCGGGGACCAGCAGGACC-3'